The following is an entry in ClinVar:

ClinVar aggregate classification (germline): Uncertain significance (1 of 4 stars; one submission).

Conditions:
Trichorhinophalangeal dysplasia type I (TRPS1). Also called: TRICHORHINOPHALANGEAL SYNDROME, TYPE I; TRPS I. Identifiers: Orphanet 77258, MedGen C0432233, MONDO:0008596, OMIM 190350.
Trichorhinophalangeal syndrome, type III (TRPS3). Also called: SUGIO-KAJII SYNDROME. Identifiers: Orphanet 77258, MedGen C1860823, OMIM 190351, MONDO:0008597.

Submission:

Labcorp Genetics (formerly Invitae), Labcorp
Classification: Uncertain significance for Trichorhinophalangeal syndrome, type III; Trichorhinophalangeal dysplasia type I. Last evaluated: 2021-06-28. Review status: criteria provided, single submitter. Criteria: Invitae Variant Classification Sherloc (09022015). Collection method: clinical testing. Allele origin: germline.
Comment: Algorithms developed to predict the effect of missense changes on protein structure and function (SIFT, PolyPhen-2, Align-GVGD) all suggest that this variant is likely to be disruptive. In summary, the available evidence is currently insufficient to determine the role of this variant in disease. Therefore, it has been classified as a Variant of Uncertain Significance. This variant has not been reported in the literature in individuals affected with TRPS1-related conditions. This variant is not present in population databases (ExAC no frequency). This sequence change replaces serine with alanine at codon 895 of the TRPS1 protein (p.Ser895Ala). The serine residue is highly conserved and there is a moderate physicochemical difference between serine and alanine.

NM_014112.5(TRPS1):c.2683T>G (p.Ser895Ala)

Gene: TRPS1 (transcriptional repressor GATA binding 1; minus strand). Cytogenetic location: 8q23.3.
Variant type: single nucleotide variant.
Coding change: c.2683T>G on transcript NM_014112.5 (MANE Select); coding-DNA position 2683, T replaced by G.
Protein change: p.Ser895Ala; replaces serine 895 with alanine.
Molecular consequence: missense variant.
Genome position (GRCh38, 1-based): chr8:115,587,018, A>C on the plus strand (T>G on the coding strand, the complement: TRPS1 is on the minus strand). VCF-style: chr8-115587018-A-C. GRCh37 (hg19) VCF-style: chr8-116599245-A-C.
Other names: c.2656T>G, p.Ser886Ala (NM_001282902.3); c.2662T>G, p.Ser888Ala (NM_001282903.3); c.2644T>G, p.Ser882Ala (NM_001330599.2); short protein forms S886A, S895A, S882A, S888A.
Identifiers: ClinVar variation 1364368 (VCV001364368.8), dbSNP rs2130443107, ClinGen allele CA372064606.